The following is an entry in ClinVar:

ClinVar aggregate classification (germline): Uncertain significance (1 of 4 stars; one submission).

Conditions:
Hereditary spastic paraplegia 7 (SPG7). Also called: SPASTIC PARAPLEGIA 7, AUTOSOMAL RECESSIVE, WITH OR WITHOUT CEREBELLAR ATAXIA; SPG7-related neurologic disorder; Spastic paraplegia 7; Hereditary spastic paraplegia Paraplegin type; Autosomal recessive spastic paraplegia type 7. Identifiers: Orphanet 99013, MedGen C1846564, MONDO:0011803, OMIM 607259.

gnomAD v4.1: 12 of 1,614,034 alleles (0.00074%); highest among the groups gnomAD compares: East Asian, 0.0067%; no homozygotes.

Submission:

Labcorp Genetics (formerly Invitae), Labcorp
Classification: Uncertain significance for Hereditary spastic paraplegia 7. Last evaluated: 2024-05-06. Review status: criteria provided, single submitter. Criteria: Invitae Variant Classification Sherloc (09022015). Collection method: clinical testing. Allele origin: germline.
Comment: This sequence change replaces aspartic acid, which is acidic and polar, with asparagine, which is neutral and polar, at codon 169 of the SPG7 protein (p.Asp169Asn). This variant is present in population databases (rs769321645, gnomAD 0.02%). This variant has not been reported in the literature in individuals affected with SPG7-related conditions. Advanced modeling of protein sequence and biophysical properties (such as structural, functional, and spatial information, amino acid conservation, physicochemical variation, residue mobility, and thermodynamic stability) performed at Invitae indicates that this missense variant is not expected to disrupt SPG7 protein function with a negative predictive value of 80%. In summary, the available evidence is currently insufficient to determine the role of this variant in disease. Therefore, it has been classified as a Variant of Uncertain Significance.

NM_003119.4(SPG7):c.505G>A (p.Asp169Asn)

Gene: SPG7 (SPG7 matrix AAA peptidase subunit, paraplegin; plus strand). Cytogenetic location: 16q24.3.
Variant type: single nucleotide variant.
Coding change: c.505G>A on transcript NM_003119.4 (MANE Select); coding-DNA position 505, G replaced by A.
Protein change: p.Asp169Asn; replaces aspartic acid 169 with asparagine.
Molecular consequence: missense variant.
Genome position (GRCh38, 1-based): chr16:89,524,134, G>A. VCF-style: chr16-89524134-G-A. GRCh37 (hg19) VCF-style: chr16-89590542-G-A.
Other names: c.505G>A, p.Asp169Asn (NM_001363850.1, NM_199367.3); short protein forms D169N.
Identifiers: ClinVar variation 3669111 (VCV003669111.2).